The following is an entry in ClinVar:

ClinVar aggregate classification (germline): Uncertain significance. Review status: criteria provided, multiple submitters, no conflicts (2 of 4 stars). 2 submissions from 2 submitters: Uncertain significance (2). Last evaluated 2025-10-27.

Conditions:
Hereditary pulmonary alveolar proteinosis. Also called: Pulmonary surfactant metabolism dysfunction. Identifiers: Orphanet 264675, MedGen C3711368, MONDO:0012580.
ABCA3-related disorder. Also called: ABCA3-related condition.

Allele frequency attached by ClinVar (database versions not stated): gnomAD 0.00002; TOPMed 0.00003; ExAC 0.00004; gnomAD exomes 0.00003.
gnomAD v4.1: 48 of 1,613,928 alleles (0.003%); highest among the groups gnomAD compares: Non-Finnish European, 0.0035%; no homozygotes.

Submissions (2):

Ambry Genetics
Classification: Uncertain significance for Hereditary pulmonary alveolar proteinosis. Last evaluated: 2025-10-27. Review status: criteria provided, single submitter. Criteria: Ambry Variant Classification Scheme 2023. Collection method: clinical testing. Allele origin: germline.
Comment: The p.R1035C variant (also known as c.3103C>T), located in coding exon 19 of the ABCA3 gene, results from a C to T substitution at nucleotide position 3103. The arginine at codon 1035 is replaced by cysteine, an amino acid with highly dissimilar properties. This amino acid position is conserved. In addition, the in silico prediction for this alteration is inconclusive. Based on the available evidence, the clinical significance of this variant remains unclear.

PreventionGenetics, part of Exact Sciences
Classification: Uncertain significance for ABCA3-related condition. Last evaluated: 2023-05-22. Review status: criteria provided, single submitter. Criteria: ACMG Guidelines, 2015. Collection method: clinical testing. Allele origin: germline.
Comment: The ABCA3 c.3103C>T variant is predicted to result in the amino acid substitution p.Arg1035Cys. To our knowledge, this variant has not been reported in the literature. This variant is reported in 0.0062% of alleles in individuals of African descent in gnomAD. At this time, the clinical significance of this variant is uncertain due to the absence of conclusive functional and genetic evidence.

NM_001089.3(ABCA3):c.3103C>T (p.Arg1035Cys)

Gene: ABCA3 (ATP binding cassette subfamily A member 3; minus strand). Cytogenetic location: 16p13.3.
Variant type: single nucleotide variant.
Coding change: c.3103C>T on transcript NM_001089.3 (MANE Select); coding-DNA position 3103, C replaced by T.
Protein change: p.Arg1035Cys; replaces arginine 1035 with cysteine.
Molecular consequence: missense variant.
Genome position (GRCh38, 1-based): chr16:2,286,869, G>A on the plus strand (C>T on the coding strand, the complement: ABCA3 is on the minus strand). VCF-style: chr16-2286869-G-A. GRCh37 (hg19) VCF-style: chr16-2336870-G-A.
Other names: short protein forms R1035C.
Identifiers: ClinVar variation 2635043 (VCV002635043.3), dbSNP rs771179181, ClinGen allele CA7840604.